The following is an entry in ClinVar:

NM_007194.4(CHEK2):c.1376-2A>C

Gene: CHEK2 (checkpoint kinase 2; minus strand). Cytogenetic location: 22q12.1.
Variant type: single nucleotide variant.
Coding change: c.1376-2A>C on transcript NM_007194.4 (MANE Select); the canonical splice acceptor site of the intron before coding-DNA position 1376, A replaced by C.
Molecular consequence: splice acceptor variant.
Genome position (GRCh38, 1-based): chr22:28,694,119, T>G on the plus strand (A>C on the coding strand, the complement: CHEK2 is on the minus strand). VCF-style: chr22-28694119-T-G. GRCh37 (hg19) VCF-style: chr22-29090107-T-G.
Other names: c.713-2A>C (NM_001437942.1, NM_001257387.3); c.1175-2A>C (NM_001349956.3); c.1289-2A>C (NM_145862.3); c.1382-2A>C (NM_001438295.1); c.1469-2A>C (NM_001438293.1); c.1418-2A>C (NM_001438294.1); c.1505-2A>C (NM_001005735.3).
Identifiers: ClinVar variation 1771154 (VCV001771154.3), dbSNP rs2145786737, ClinGen allele CA411094582.

ClinVar aggregate classification (germline): Likely pathogenic (1 of 4 stars; one submission).

Conditions:
Hereditary cancer-predisposing syndrome. Also called: Hereditary Cancer Syndrome; Hereditary neoplastic syndrome; Neoplastic Syndromes, Hereditary; Tumor predisposition. Identifiers: Orphanet 140162, MedGen C0027672, MeSH D009386, MONDO:0015356.

Submission:

Ambry Genetics
Classification: Likely pathogenic for Hereditary cancer-predisposing syndrome. Last evaluated: 2023-03-21. Review status: criteria provided, single submitter. Criteria: Ambry Variant Classification Scheme 2023. Collection method: clinical testing. Allele origin: germline.
Comment: The c.1376-2A>C intronic variant results from an A to C substitution two nucleotides upstream from coding exon 12 in the CHEK2 gene. This nucleotide position is highly conserved in available vertebrate species. In silico splice site analysis predicts that this alteration will weaken the native splice acceptor site and will result in the creation or strengthening of a novel splice acceptor site. RNA studies have demonstrated that this alteration results in abnormal splicing in the set of samples tested (Ambry internal data). As such, this alteration is classified as likely pathogenic.